The following is an entry in ClinVar:

ClinVar aggregate classification (germline): Likely benign. Review status: criteria provided, multiple submitters, no conflicts (2 of 4 stars). 5 submissions from 5 submitters: Likely benign (5). Last evaluated 2026-01-28.

Conditions:
Inborn genetic diseases. Identifiers: MedGen C0950123, MeSH D030342.
Glutaric aciduria, type 1. Also called: Glutaryl-CoA dehydrogenase deficiency; Glutaricacidemia Type 1; Glutaricaciduria, type I; Glutaric Acidemia Type 1; GA I; Glutaric acidemia type I. Identifiers: Orphanet 25, MedGen C0268595, MONDO:0009281, OMIM 231670.

Allele frequency attached by ClinVar (database versions not stated): gnomAD 0.00012; TOPMed 0.00015; 1000 Genomes Project 30x 0.00016; 1000 Genomes Project 0.00020; ESP Exome Variant Server 0.00031.
gnomAD v4.1: 468 of 1,613,156 alleles (0.029%); highest among the groups gnomAD compares: Non-Finnish European, 0.035%; no homozygotes.

Submissions (5):

Labcorp Genetics (formerly Invitae), Labcorp
Classification: Likely benign for Glutaric aciduria, type 1. Last evaluated: 2026-01-28. Review status: criteria provided, single submitter. Criteria: Invitae Variant Classification Sherloc (09022015). Collection method: clinical testing. Allele origin: germline.

CeGaT Center for Human Genetics Tuebingen
Classification: Likely benign. Last evaluated: 2024-11-01. Review status: criteria provided, single submitter. Criteria: CeGaT Center For Human Genetics Tuebingen Variant Classification Criteria Version 2. Collection method: clinical testing. Allele origin: germline. Affected: yes. Observed: 2 variant alleles.
Comment: GCDH: BP4, BP7

Blueprint Genetics
Classification: Likely benign. Last evaluated: 2024-06-27. Review status: criteria provided, single submitter. Criteria: ACMG Guidelines, 2015. Collection method: clinical testing. Allele origin: germline.

Ambry Genetics
Classification: Likely benign for Inborn genetic diseases. Last evaluated: 2022-04-21. Review status: criteria provided, single submitter. Criteria: Ambry Variant Classification Scheme 2023. Collection method: clinical testing. Allele origin: germline.

GeneDx
Classification: Likely benign. Last evaluated: 2019-07-05. Review status: criteria provided, single submitter. Criteria: GeneDx Variant Classification Process June 2021. Collection method: clinical testing. Allele origin: germline. Affected: yes.

NM_000159.4(GCDH):c.894G>A (p.Ala298=)

Gene: GCDH (glutaryl-CoA dehydrogenase; plus strand). Cytogenetic location: 19p13.13.
Variant type: single nucleotide variant.
Coding change: c.894G>A on transcript NM_000159.4 (MANE Select); coding-DNA position 894, G replaced by A.
Protein change: p.Ala298=; no amino-acid change (alanine 298 retained).
Molecular consequence: synonymous variant. On other transcripts: non-coding transcript variant (2).
Genome position (GRCh38, 1-based): chr19:12,896,951, G>A. VCF-style: chr19-12896951-G-A. GRCh37 (hg19) VCF-style: chr19-13007765-G-A.
Other names: c.894G>A, p.Ala298= (NM_013976.5).
Identifiers: ClinVar variation 511371 (VCV000511371.40), dbSNP rs150834108, ClinGen allele CA9234541.